The following is an entry in ClinVar:

ClinVar aggregate classification (germline): Pathogenic/Likely pathogenic. Review status: criteria provided, multiple submitters, no conflicts (2 of 4 stars). 2 submissions from 2 submitters: Pathogenic (1); Likely pathogenic (1). Last evaluated 2023-11-09.

Conditions:
Fanconi anemia (FA). Also called: Fanconi's anemia. Identifiers: Orphanet 84, MedGen C0015625, MeSH D005199, MONDO:0019391.
Fanconi anemia complementation group G. Also called: Fanconi anemia group G; FANCG-Related Fanconi Anemia. Identifiers: Orphanet 84, MedGen C3469527, MONDO:0013565, OMIM 614082.

Allele frequency attached by ClinVar (database versions not stated): gnomAD exomes below 0.00001; TOPMed below 0.00001; ExAC 0.00001; gnomAD 0.00001.

Submissions (2):

Baylor Genetics
Classification: Likely pathogenic for Fanconi anemia complementation group G. Last evaluated: 2023-11-09. Review status: criteria provided, single submitter. Criteria: ACMG Guidelines, 2015. Collection method: clinical testing. Allele origin: unknown.

Labcorp Genetics (formerly Invitae), Labcorp
Classification: Pathogenic for Fanconi anemia. Last evaluated: 2023-08-22. Review status: criteria provided, single submitter. Criteria: Invitae Variant Classification Sherloc (09022015). Collection method: clinical testing. Allele origin: germline.
Comment: This sequence change creates a premature translational stop signal (p.Tyr447*) in the FANCG gene. It is expected to result in an absent or disrupted protein product. Loss-of-function variants in FANCG are known to be pathogenic (PMID: 12552564). For these reasons, this variant has been classified as Pathogenic. This premature translational stop signal has been observed in individual(s) with FANCG-related conditions (PMID: 26689913). This variant is present in population databases (rs778986343, gnomAD 0.007%).

Literature cited by the submitters: PubMed 12552564 (cited by Labcorp Genetics (formerly Invitae), Labcorp); PubMed 26689913 (cited by Labcorp Genetics (formerly Invitae), Labcorp).

NM_004629.2(FANCG):c.1341C>G (p.Tyr447Ter)

Gene: FANCG (FA complementation group G; minus strand). Cytogenetic location: 9p13.3.
Variant type: single nucleotide variant.
Coding change: c.1341C>G on transcript NM_004629.2 (MANE Select); coding-DNA position 1341, C replaced by G.
Protein change: p.Tyr447Ter; replaces tyrosine 447 with a stop codon.
Molecular consequence: nonsense.
Genome position (GRCh38, 1-based): chr9:35,075,557, G>C on the plus strand (C>G on the coding strand, the complement: FANCG is on the minus strand). VCF-style: chr9-35075557-G-C. GRCh37 (hg19) VCF-style: chr9-35075554-G-C.
Other names: short protein forms Y447*.
Identifiers: ClinVar variation 2675588 (VCV002675588.5), dbSNP rs778986343, ClinGen allele CA5039769.